The following is an entry in ClinVar:

NM_152564.5(VPS13B):c.9309C>T (p.Cys3103=)

Gene: VPS13B (vacuolar protein sorting 13 homolog B; plus strand). Cytogenetic location: 8q22.2.
Variant type: single nucleotide variant.
Coding change: c.9309C>T on transcript NM_152564.5 (MANE Select); coding-DNA position 9309, C replaced by T.
Protein change: p.Cys3103=; no amino-acid change (cysteine 3103 retained).
Molecular consequence: synonymous variant.
Genome position (GRCh38, 1-based): chr8:99,823,957, C>T. VCF-style: chr8-99823957-C-T. GRCh37 (hg19) VCF-style: chr8-100836185-C-T.
Other names: c.9384C>T, p.Cys3128= (NM_017890.5).
Identifiers: ClinVar variation 2724379 (VCV002724379.4), dbSNP rs2492027812, ClinGen allele CA462340407.
Genomic context (GRCh38, chr8:99,823,957, plus strand): 5'-GACTACAATAATCAATAATACACCATATCAAATATTTTATAAACCACAGCTATCTGTCTG[C>T]AATCCCCATTCTGGAAAGGAGGTAAGCAAATCATAACGATTCTTTTGTCTAAGTTTTGAT-3'
Protein context (NP_689777.3, residues 3093-3113): QIFYKPQLSV[Cys3103=]NPHSGKEYFR

ClinVar aggregate classification (germline): Likely benign. Review status: criteria provided, multiple submitters, no conflicts (2 of 4 stars). 2 submissions from 2 submitters: Likely benign (2). Last evaluated 2025-09-18.

Conditions:
Cohen syndrome (COH1). Also called: PEPPER SYNDROME; Cutis verticis gyrata, retinitis pigmentosa, and sensorineural deafness. Identifiers: Orphanet 193, MedGen C0265223, MONDO:0008999, OMIM 216550.
VPS13B-related disorder. Also called: VPS13B-related condition.

Submissions (2):

PreventionGenetics, part of Exact Sciences
Classification: Likely benign for VPS13B-related condition. Last evaluated: 2025-09-18. Review status: criteria provided, single submitter. Criteria: ACMG Guidelines, 2015. Collection method: clinical testing. Allele origin: germline.
Comment: This variant is classified as likely benign based on ACMG/AMP sequence variant interpretation guidelines (Richards et al. 2015 PMID: 25741868, with internal and published modifications).

Labcorp Genetics (formerly Invitae), Labcorp
Classification: Likely benign for Cohen syndrome. Last evaluated: 2024-01-17. Review status: criteria provided, single submitter. Criteria: Invitae Variant Classification Sherloc (09022015). Collection method: clinical testing. Allele origin: germline.